The following is an entry in ClinVar:

NM_006070.6(TFG):c.943C>T (p.Pro315Ser)

Gene: TFG (trafficking from ER to golgi regulator; plus strand). Cytogenetic location: 3q12.2.
Variant type: single nucleotide variant.
Coding change: c.943C>T on transcript NM_006070.6 (MANE Select); coding-DNA position 943, C replaced by T.
Protein change: p.Pro315Ser; replaces proline 315 with serine.
Molecular consequence: missense variant.
Genome position (GRCh38, 1-based): chr3:100,748,271, C>T. VCF-style: chr3-100748271-C-T. GRCh37 (hg19) VCF-style: chr3-100467115-C-T.
Other names: c.943C>T, p.Pro315Ser (NM_001007565.2, NM_001195478.2); c.931C>T, p.Pro311Ser (NM_001195479.2); short protein forms P315S, P311S.
Identifiers: ClinVar variation 534746 (VCV000534746.8), dbSNP rs1553704852, ClinGen allele CA353853607.

ClinVar aggregate classification (germline): Uncertain significance (1 of 4 stars; one submission).

Conditions:
Hereditary spastic paraplegia 57. Also called: Spastic paraplegia 57, autosomal recessive. Identifiers: Orphanet 431329, MedGen C3714897, MONDO:0014295, OMIM 615658.
Hereditary motor and sensory neuropathy, Okinawa type (HMSNO). Also called: HEREDITARY MOTOR AND SENSORY NEUROPATHY, PROXIMAL TYPE. Identifiers: Orphanet 90117, MedGen C1858338, MONDO:0011468, OMIM 604484.

Submission:

Labcorp Genetics (formerly Invitae), Labcorp
Classification: Uncertain significance for Hereditary motor and sensory neuropathy, Okinawa type; Hereditary spastic paraplegia 57. Last evaluated: 2017-09-16. Review status: criteria provided, single submitter. Criteria: Invitae Variant Classification Sherloc (09022015). Collection method: clinical testing. Allele origin: germline.
Comment: Algorithms developed to predict the effect of missense changes on protein structure and function do not agree on the potential impact of this missense change (SIFT: "Deleterious"; PolyPhen-2: "Possibly Damaging"; Align-GVGD: "Class C0"). This sequence change replaces proline with serine at codon 315 of the TFG protein (p.Pro315Ser). The proline residue is highly conserved and there is a moderate physicochemical difference between proline and serine. This variant is not present in population databases (ExAC no frequency). This variant has not been reported in the literature in individuals with TFG-related disease. In summary, the available evidence is currently insufficient to determine the role of this variant in disease. Therefore, it has been classified as a Variant of Uncertain Significance.